The following is an entry in ClinVar:

ClinVar aggregate classification (germline): Uncertain significance (1 of 4 stars; one submission).

Submission:

GeneDx
Classification: Uncertain significance. Last evaluated: 2024-06-07. Review status: criteria provided, single submitter. Criteria: GeneDx Variant Classification Process June 2021. Collection method: clinical testing. Allele origin: germline. Affected: yes.
Comment: Not observed at significant frequency in large population cohorts (gnomAD); Frameshift variant predicted to result in protein truncation or nonsense mediated decay in a gene or region of a gene for which loss of function is not a well-established mechanism of disease; Has not been previously published as pathogenic or benign to our knowledge

NM_001846.4(COL4A2):c.1466_1482del (p.Asp489fs)

Genes: COL4A2 (collagen type IV alpha 2 chain; plus strand), COL4A2-AS2 (COL4A2 antisense RNA 2; minus strand). Cytogenetic location: 13q34.
Variant type: Deletion.
Coding change: c.1466_1482del on transcript NM_001846.4 (MANE Select); coding-DNA positions 1466 to 1482, 17 bases deleted (ACGAAGCTATCAAAGGT).
Protein change: p.Asp489fs; shifts the reading frame from aspartic acid 489.
Molecular consequence: frameshift variant.
Genome position (GRCh38, 1-based): chr13:110,458,804-110,458,820, ACGAAGCTATCAAAGGT deleted. VCF-style (leftmost placement, unchanged base first): chr13-110458803-GACGAAGCTATCAAAGGT-G. GRCh37 (hg19) VCF-style: chr13-111111150-GACGAAGCTATCAAAGGT-G.
Other names: short protein forms D489fs.
Identifiers: ClinVar variation 3384541 (VCV003384541.1).